The following is an entry in ClinVar:

ClinVar aggregate classification (germline): Uncertain significance (1 of 4 stars; one submission).

Submission:

GeneDx
Classification: Uncertain significance. Last evaluated: 2024-09-05. Review status: criteria provided, single submitter. Criteria: GeneDx Variant Classification Process June 2021. Collection method: clinical testing. Allele origin: germline. Affected: yes.
Comment: Not observed at significant frequency in large population cohorts (gnomAD); In silico analysis indicates that this missense variant does not alter protein structure/function; Has not been previously published as pathogenic or benign to our knowledge

NM_052989.3(IFT122):c.3268G>C (p.Val1090Leu)

Gene: IFT122 (intraflagellar transport 122; plus strand). Cytogenetic location: 3q22.1.
Variant type: single nucleotide variant.
Coding change: c.3268G>C on transcript NM_052989.3 (MANE Select); coding-DNA position 3268, G replaced by C.
Protein change: p.Val1090Leu; replaces valine 1090 with leucine.
Molecular consequence: missense variant.
Genome position (GRCh38, 1-based): chr3:129,517,471, G>C. VCF-style: chr3-129517471-G-C. GRCh37 (hg19) VCF-style: chr3-129236314-G-C.
Other names: c.3247G>C, p.Val1083Leu (NM_001280541.2); c.2818G>C, p.Val940Leu (NM_001280545.2); c.2641G>C, p.Val881Leu (NM_001280546.2); c.3271G>C, p.Val1091Leu (NM_001410808.1); c.3214G>C, p.Val1072Leu (NM_001410809.1); c.3094G>C, p.Val1032Leu (NM_001410810.1); c.3040G>C, p.Val1014Leu (NM_001410811.1); c.3037G>C, p.Val1013Leu (NM_001410813.1); and 5 more; short protein forms V1013L, V1014L, V1031L, V1032L, V1072L, V1083L, V1090L, V1091L.
Identifiers: ClinVar variation 3767836 (VCV003767836.1).